The following is an entry in ClinVar:

NM_024334.3(TMEM43):c.223G>A (p.Asp75Asn)

Gene: TMEM43 (transmembrane protein 43; plus strand). Cytogenetic location: 3p25.1.
Variant type: single nucleotide variant.
Coding change: c.223G>A on transcript NM_024334.3 (MANE Select); coding-DNA position 223, G replaced by A.
Protein change: p.Asp75Asn; replaces aspartic acid 75 with asparagine.
Molecular consequence: missense variant.
Genome position (GRCh38, 1-based): chr3:14,130,882, G>A. VCF-style: chr3-14130882-G-A. GRCh37 (hg19) VCF-style: chr3-14172382-G-A.
Other names: short protein forms D75N.
Identifiers: ClinVar variation 466415 (VCV000466415.24), dbSNP rs138764471, ClinGen allele CA052293.
Genomic context (GRCh38, chr3:14,130,882, plus strand): 5'-GGCCGCGCATTGAAGACGGCAACCTCATTGGCTGAGGGGCTCTCGCTTGTGGTGTCTCCC[G>A]ACAGCATCCACAGTGTGGCTCCGGAGAATGAAGGAAGGCTGGTGCACATCATTGGCGCCT-3'
Protein context (NP_077310.1, residues 65-85): AEGLSLVVSP[Asp75Asn]SIHSVAPENE

ClinVar aggregate classification (germline): Uncertain significance. Review status: criteria provided, multiple submitters, no conflicts (2 of 4 stars). 6 submissions from 6 submitters: Uncertain significance (6). Last evaluated 2026-01-14.

Conditions:
Cardiovascular phenotype. Identifiers: MedGen CN230736.
Arrhythmogenic right ventricular dysplasia 5. Also called: Arrhythmogenic Right Ventricular Dysplasia/Cardiomyopathy 5; ARRHYTHMOGENIC RIGHT VENTRICULAR DYSPLASIA, FAMILIAL, 5. Identifiers: MedGen C1858379, MONDO:0011459, OMIM 604400.
Cardiomyopathy (CMYO). Also called: Cardiomyopathies. Identifiers: Orphanet 167848, MedGen C0878544, MONDO:0004994, HP:0001638. Inheritance: Various modes of inheritance.

Allele frequency attached by ClinVar (database versions not stated): gnomAD exomes below 0.00001; TOPMed below 0.00001; ExAC 0.00001; gnomAD 0.00001; ESP Exome Variant Server 0.00008.
gnomAD v4.1: 4 of 1,613,652 alleles (0.00025%); highest among the groups gnomAD compares: Non-Finnish European, 0.000085%; no homozygotes.

Submissions (6):

Labcorp Genetics (formerly Invitae), Labcorp
Classification: Uncertain significance for Arrhythmogenic right ventricular dysplasia 5. Last evaluated: 2026-01-14. Review status: criteria provided, single submitter. Criteria: Invitae Variant Classification Sherloc (09022015). Collection method: clinical testing. Allele origin: germline.
Comment: This sequence change replaces aspartic acid, which is acidic and polar, with asparagine, which is neutral and polar, at codon 75 of the TMEM43 protein (p.Asp75Asn). This variant is present in population databases (rs138764471, gnomAD 0.0009%). This variant has not been reported in the literature in individuals affected with TMEM43-related conditions. ClinVar contains an entry for this variant (Variation ID: 466415). Invitae Evidence Modeling of protein sequence and biophysical properties (such as structural, functional, and spatial information, amino acid conservation, physicochemical variation, residue mobility, and thermodynamic stability) indicates that this missense variant is not expected to disrupt TMEM43 protein function with a negative predictive value of 80%. In summary, the available evidence is currently insufficient to determine the role of this variant in disease. Therefore, it has been classified as a Variant of Uncertain Significance.

Ambry Genetics
Classification: Uncertain significance for Cardiovascular phenotype. Last evaluated: 2025-05-01. Review status: criteria provided, single submitter. Criteria: Ambry Variant Classification Scheme 2023. Collection method: clinical testing. Allele origin: germline.
Comment: The p.D75N variant (also known as c.223G>A), located in coding exon 3 of the TMEM43 gene, results from a G to A substitution at nucleotide position 223. The aspartic acid at codon 75 is replaced by asparagine, an amino acid with highly similar properties. This amino acid position is not well conserved in available vertebrate species. In addition, this alteration is predicted to be tolerated by in silico analysis. Based on the available evidence, the clinical significance of this variant remains unclear.

Color Diagnostics, LLC DBA Color Health
Classification: Uncertain significance for Cardiomyopathy. Last evaluated: 2024-12-23. Review status: criteria provided, single submitter. Criteria: ACMG Guidelines, 2015. Collection method: clinical testing. Allele origin: germline.
Comment: This missense variant replaces aspartic acid with asparagine at codon 75 of the TMEM43 protein. Computational prediction suggests that this variant may not impact protein structure and function. To our knowledge, functional studies have not been reported for this variant. This variant has not been reported in individuals affected with TMEM43-related disorders in the literature. This variant has been identified in 1/251056 chromosomes in the general population by the Genome Aggregation Database (gnomAD). The available evidence is insufficient to determine the role of this variant in disease conclusively. Therefore, this variant is classified as a Variant of Uncertain Significance.

All of Us Research Program, National Institutes of Health
Classification: Uncertain significance for Arrhythmogenic right ventricular dysplasia 5. Last evaluated: 2023-08-15. Review status: criteria provided, single submitter. Criteria: ACMG Guidelines, 2015. Collection method: clinical testing. Allele origin: germline. Inheritance: Autosomal dominant inheritance. Observed: 1 variant allele, 1 heterozygote.
Comment: This missense variant replaces aspartic acid with asparagine at codon 75 of the TMEM43 protein. Computational prediction tools and conservation analyses suggest that this variant may not impact the protein function. Computational splicing tools suggest that this variant may not impact RNA splicing. To our knowledge, functional assays have not been performed for this variant nor has this variant been reported in individuals affected with cardiovascular disorders in the literature. This variant has been identified in 1/251056 chromosomes in the general population by the Genome Aggregation Database (gnomAD). Available evidence is insufficient to determine the role of this variant in disease conclusively. Therefore, this variant is classified as a Variant of Uncertain Significance.

This study involves interpretation of variants in research participants for the purpose of population health screening. Participant phenotype was not available at the time of variant classification. Additional details can be found in publication PMID: 35346344, PMCID: PMC8962531

GeneDx
Classification: Uncertain significance. Last evaluated: 2023-07-14. Review status: criteria provided, single submitter. Criteria: GeneDx Variant Classification Process June 2021. Collection method: clinical testing. Allele origin: germline. Affected: yes.
Comment: Has not been previously published as pathogenic or benign to our knowledge; Not observed at significant frequency in large population cohorts (gnomAD); In silico analysis supports that this missense variant does not alter protein structure/function; In silico analysis suggests this variant may impact gene splicing. In the absence of RNA/functional studies, the actual effect of this sequence change is unknown.

Mayo Clinic Laboratories, Mayo Clinic
Classification: Uncertain significance. Last evaluated: 2020-08-05. Review status: criteria provided, single submitter. Criteria: ACMG Guidelines, 2015. Collection method: clinical testing. Allele origin: germline. Observed: 1 variant allele.